The following is an entry in ClinVar:

NM_022167.4(XYLT2):c.1942-8C>G

Gene: XYLT2 (xylosyltransferase 2; plus strand). Cytogenetic location: 17q21.33.
Variant type: single nucleotide variant.
Coding change: c.1942-8C>G on transcript NM_022167.4 (MANE Select); 8 bases into the intron before coding-DNA position 1942, C replaced by G.
Molecular consequence: intron variant.
Genome position (GRCh38, 1-based): chr17:50,358,199, C>G. VCF-style: chr17-50358199-C-G. GRCh37 (hg19) VCF-style: chr17-48435560-C-G.
Identifiers: ClinVar variation 2158042 (VCV002158042.4), dbSNP rs1014512062, ClinGen allele CA291580357.

ClinVar aggregate classification (germline): Uncertain significance (1 of 4 stars; one submission).

Allele frequency attached by ClinVar (database versions not stated): gnomAD 0.00005; TOPMed 0.00001; gnomAD exomes 0.00002.
gnomAD v4.1: 36 of 1,580,180 alleles (0.0023%); highest among the groups gnomAD compares: African/African-American, 0.0041%; no homozygotes.

Submission:

Labcorp Genetics (formerly Invitae), Labcorp
Classification: Uncertain significance. Last evaluated: 2022-06-29. Review status: criteria provided, single submitter. Criteria: Invitae Variant Classification Sherloc (09022015). Collection method: clinical testing. Allele origin: germline.
Comment: In summary, the available evidence is currently insufficient to determine the role of this variant in disease. Therefore, it has been classified as a Variant of Uncertain Significance. Algorithms developed to predict the effect of sequence changes on RNA splicing suggest that this variant may create or strengthen a splice site. This variant has not been reported in the literature in individuals affected with XYLT2-related conditions. The frequency data for this variant in the population databases is considered unreliable, as metrics indicate poor data quality at this position in the gnomAD database. This sequence change falls in intron 9 of the XYLT2 gene. It does not directly change the encoded amino acid sequence of the XYLT2 protein.